The following is an entry in ClinVar:

ClinVar aggregate classification (germline): Uncertain significance (1 of 4 stars; one submission).

Allele frequency attached by ClinVar (database versions not stated): gnomAD exomes below 0.00001.
gnomAD v4.1: 1 of 1,614,150 alleles (0.000062%); highest among the groups gnomAD compares: African/African-American, 0.0013%; no homozygotes.

Submission:

Labcorp Genetics (formerly Invitae), Labcorp
Classification: Uncertain significance. Last evaluated: 2025-03-17. Review status: criteria provided, single submitter. Criteria: Invitae Variant Classification Sherloc (09022015). Collection method: clinical testing. Allele origin: germline.
Comment: This sequence change replaces proline, which is neutral and non-polar, with serine, which is neutral and polar, at codon 221 of the MOCS3 protein (p.Pro221Ser). This variant is not present in population databases (gnomAD no frequency). This variant has not been reported in the literature in individuals affected with MOCS3-related conditions. ClinVar contains an entry for this variant (Variation ID: 2841619). An algorithm developed to predict the effect of missense changes on protein structure and function (PolyPhen-2) suggests that this variant is likely to be disruptive. In summary, the available evidence is currently insufficient to determine the role of this variant in disease. Therefore, it has been classified as a Variant of Uncertain Significance.

NM_014484.5(MOCS3):c.661C>T (p.Pro221Ser)

Gene: MOCS3 (molybdenum cofactor synthesis 3; plus strand). Cytogenetic location: 20q13.13.
Variant type: single nucleotide variant.
Coding change: c.661C>T on transcript NM_014484.5 (MANE Select); coding-DNA position 661, C replaced by T.
Protein change: p.Pro221Ser; replaces proline 221 with serine.
Molecular consequence: missense variant.
Genome position (GRCh38, 1-based): chr20:50,959,503, C>T. VCF-style: chr20-50959503-C-T. GRCh37 (hg19) VCF-style: chr20-49576040-C-T.
Other names: short protein forms P221S.
Identifiers: ClinVar variation 2841619 (VCV002841619.3), dbSNP rs147078777, ClinGen allele CA315264661.